The following is an entry in ClinVar:

NM_001195263.2(PDZD7):c.2396C>G (p.Pro799Arg)

Gene: PDZD7 (PDZ domain containing 7; minus strand). Cytogenetic location: 10q24.31.
Variant type: single nucleotide variant.
Coding change: c.2396C>G on transcript NM_001195263.2 (MANE Select); coding-DNA position 2396, C replaced by G.
Protein change: p.Pro799Arg; replaces proline 799 with arginine.
Molecular consequence: missense variant.
Genome position (GRCh38, 1-based): chr10:101,010,493, G>C on the plus strand (C>G on the coding strand, the complement: PDZD7 is on the minus strand). VCF-style: chr10-101010493-G-C. GRCh37 (hg19) VCF-style: chr10-102770250-G-C.
Other names: p.Pro799Arg; short protein forms P799R.
Identifiers: ClinVar variation 934681 (VCV000934681.25), dbSNP rs765565547, ClinGen allele CA212978582.

ClinVar aggregate classification (germline): Uncertain significance. Review status: criteria provided, multiple submitters, no conflicts (2 of 4 stars). 5 submissions from 5 submitters: Uncertain significance (5). Last evaluated 2026-02-10.

Allele frequency attached by ClinVar (database versions not stated): gnomAD 0.00027 and 0.00031; TOPMed 0.00041.
gnomAD v4.1: 577 of 1,534,390 alleles (0.038%); highest among the groups gnomAD compares: Non-Finnish European, 0.049%; no homozygotes.

Submissions (5):

GeneDx
Classification: Uncertain significance. Last evaluated: 2026-02-10. Review status: criteria provided, single submitter. Criteria: GeneDx Variant Classification Process June 2021. Collection method: clinical testing. Allele origin: germline. Affected: yes.
Comment: In silico analysis suggests that this missense variant does not alter protein structure/function; Has not been previously published as pathogenic or benign to our knowledge

Mayo Clinic Laboratories, Mayo Clinic
Classification: Uncertain significance. Last evaluated: 2024-12-04. Review status: criteria provided, single submitter. Criteria: ACMG Guidelines, 2015. Collection method: clinical testing. Allele origin: germline. Observed: 1 variant allele.
Comment: BP4, PM2_supporting

CeGaT Center for Human Genetics Tuebingen
Classification: Uncertain significance. Last evaluated: 2024-11-01. Review status: criteria provided, single submitter. Criteria: CeGaT Center For Human Genetics Tuebingen Variant Classification Criteria Version 2. Collection method: clinical testing. Allele origin: germline. Affected: yes. Observed: 1 variant allele.
Comment: PDZD7: PM2:Supporting

Blueprint Genetics
Classification: Uncertain significance. Last evaluated: 2023-02-14. Review status: criteria provided, single submitter. Criteria: ACMG Guidelines, 2015. Collection method: clinical testing. Allele origin: germline.

Labcorp Genetics (formerly Invitae), Labcorp
Classification: Uncertain significance. Last evaluated: 2022-10-05. Review status: criteria provided, single submitter. Criteria: Invitae Variant Classification Sherloc (09022015). Collection method: clinical testing. Allele origin: germline.
Comment: This sequence change replaces proline, which is neutral and non-polar, with arginine, which is basic and polar, at codon 799 of the PDZD7 protein (p.Pro799Arg). This variant is present in population databases (no rsID available, gnomAD 0.04%). This variant has not been reported in the literature in individuals affected with PDZD7-related conditions. ClinVar contains an entry for this variant (Variation ID: 934681). Advanced modeling of protein sequence and biophysical properties (such as structural, functional, and spatial information, amino acid conservation, physicochemical variation, residue mobility, and thermodynamic stability) performed at Invitae indicates that this missense variant is not expected to disrupt PDZD7 protein function. In summary, the available evidence is currently insufficient to determine the role of this variant in disease. Therefore, it has been classified as a Variant of Uncertain Significance.